The following is an entry in ClinVar:

NM_004813.4(PEX16):c.494C>A (p.Ser165Tyr)

Gene: PEX16 (peroxisomal biogenesis factor 16; minus strand). Cytogenetic location: 11p11.2.
Variant type: single nucleotide variant.
Coding change: c.494C>A on transcript NM_004813.4 (MANE Select); coding-DNA position 494, C replaced by A.
Protein change: p.Ser165Tyr; replaces serine 165 with tyrosine.
Molecular consequence: missense variant.
Genome position (GRCh38, 1-based): chr11:45,914,651, G>T on the plus strand (C>A on the coding strand, the complement: PEX16 is on the minus strand). VCF-style: chr11-45914651-G-T. GRCh37 (hg19) VCF-style: chr11-45936202-G-T.
Other names: c.494C>A, p.Ser165Tyr (NM_057174.3); c.494C>A (NM_004813.2); short protein forms S165Y.
Identifiers: ClinVar variation 1419458 (VCV001419458.8), dbSNP rs2086814861, ClinGen allele CA380227385.

ClinVar aggregate classification (germline): Uncertain significance. Review status: criteria provided, multiple submitters, no conflicts (2 of 4 stars). 2 submissions from 2 submitters: Uncertain significance (2). Last evaluated 2025-07-22.

Conditions:
PEX16-related disorder. Also called: PEX16-related condition.
Peroxisome biogenesis disorder. Identifiers: Orphanet 79189, MedGen C1832200, MONDO:0019234. Disease mechanism: loss of function.

Allele frequency attached by ClinVar (database versions not stated): TOPMed below 0.00001.

Submissions (2):

PreventionGenetics, part of Exact Sciences
Classification: Uncertain significance for PEX16-related condition. Last evaluated: 2025-07-22. Review status: criteria provided, single submitter. Criteria: ACMG Guidelines, 2015. Collection method: clinical testing. Allele origin: germline.
Comment: The PEX16 c.494C>A variant is predicted to result in the amino acid substitution p.Ser165Tyr. To our knowledge, this variant has not been reported in the literature or in a large population database (gnomAD), indicating this variant is rare. At this time, the clinical significance of this variant is uncertain due to the absence of conclusive functional and genetic evidence.

Labcorp Genetics (formerly Invitae), Labcorp
Classification: Uncertain significance for Peroxisome biogenesis disorder. Last evaluated: 2024-10-15. Review status: criteria provided, single submitter. Criteria: Invitae Variant Classification Sherloc (09022015). Collection method: clinical testing. Allele origin: germline.
Comment: This sequence change replaces serine, which is neutral and polar, with tyrosine, which is neutral and polar, at codon 165 of the PEX16 protein (p.Ser165Tyr). This variant is not present in population databases (gnomAD no frequency). This variant has not been reported in the literature in individuals affected with PEX16-related conditions. ClinVar contains an entry for this variant (Variation ID: 1419458). Invitae Evidence Modeling of protein sequence and biophysical properties (such as structural, functional, and spatial information, amino acid conservation, physicochemical variation, residue mobility, and thermodynamic stability) indicates that this missense variant is not expected to disrupt PEX16 protein function with a negative predictive value of 80%. In summary, the available evidence is currently insufficient to determine the role of this variant in disease. Therefore, it has been classified as a Variant of Uncertain Significance.